The following is an entry in ClinVar:

ClinVar aggregate classification (germline): Uncertain significance. Review status: criteria provided, multiple submitters, no conflicts (2 of 4 stars). 2 submissions from 2 submitters: Uncertain significance (2). Last evaluated 2025-06-22.

Allele frequency attached by ClinVar (database versions not stated): TOPMed below 0.00001; gnomAD exomes 0.00001; ExAC 0.00002.
gnomAD v4.1: 3 of 1,613,904 alleles (0.00019%); highest among the groups gnomAD compares: Admixed American, 0.005%; no homozygotes.

Submissions (2):

Ambry Genetics
Classification: Uncertain significance. Last evaluated: 2025-06-22. Review status: criteria provided, single submitter. Criteria: Ambry Variant Classification Scheme 2023. Collection method: clinical testing. Allele origin: germline.

Labcorp Genetics (formerly Invitae), Labcorp
Classification: Uncertain significance. Last evaluated: 2023-07-28. Review status: criteria provided, single submitter. Criteria: Invitae Variant Classification Sherloc (09022015). Collection method: clinical testing. Allele origin: germline.
Comment: In summary, the available evidence is currently insufficient to determine the role of this variant in disease. Therefore, it has been classified as a Variant of Uncertain Significance. An algorithm developed to predict the effect of missense changes on protein structure and function (PolyPhen-2) suggests that this variant is likely to be disruptive. ClinVar contains an entry for this variant (Variation ID: 1968809). This variant has not been reported in the literature in individuals affected with ITGAM-related conditions. This variant is present in population databases (rs748144523, gnomAD 0.01%). This sequence change replaces glutamine, which is neutral and polar, with lysine, which is basic and polar, at codon 327 of the ITGAM protein (p.Gln327Lys).

NM_000632.4(ITGAM):c.979C>A (p.Gln327Lys)

Gene: ITGAM (integrin subunit alpha M; plus strand). Cytogenetic location: 16p11.2.
Variant type: single nucleotide variant.
Coding change: c.979C>A on transcript NM_000632.4 (MANE Select); coding-DNA position 979, C replaced by A.
Protein change: p.Gln327Lys; replaces glutamine 327 with lysine.
Molecular consequence: missense variant.
Genome position (GRCh38, 1-based): chr16:31,275,669, C>A. VCF-style: chr16-31275669-C-A. GRCh37 (hg19) VCF-style: chr16-31286990-C-A.
Other names: c.979C>A, p.Gln327Lys (NM_001145808.2); c.979C>A (NM_000632.3); short protein forms Q327K.
Identifiers: ClinVar variation 1968809 (VCV001968809.6), dbSNP rs748144523, ClinGen allele CA8025392.